The following is an entry in ClinVar:

NM_021098.3(CACNA1H):c.6587C>G (p.Pro2196Arg)

Gene: CACNA1H (calcium voltage-gated channel subunit alpha1 H; plus strand). Cytogenetic location: 16p13.3.
Variant type: single nucleotide variant.
Coding change: c.6587C>G on transcript NM_021098.3 (MANE Select); coding-DNA position 6587, C replaced by G.
Protein change: p.Pro2196Arg; replaces proline 2196 with arginine.
Molecular consequence: missense variant.
Genome position (GRCh38, 1-based): chr16:1,220,519, C>G. VCF-style: chr16-1220519-C-G. GRCh37 (hg19) VCF-style: chr16-1270519-C-G.
Other names: c.6569C>G, p.Pro2190Arg (NM_001005407.2); short protein forms P2190R, P2196R.
Identifiers: ClinVar variation 1364231 (VCV001364231.6), dbSNP rs1265575905, ClinGen allele CA394150019.
Genomic context (GRCh38, chr16:1,220,519, plus strand): 5'-AGCCCGCTCTGGGTGCGCGCAGAAAGAAGAAGATGAGCCCCCCCTGCATCTCGGTGGAAC[C>G]CCCTGCGGAGGACGAGGGCTCTGCGCGGCCCTCCGCGGCAGAGGGCGGCAGCACCACACT-3'
Protein context (NP_066921.2, residues 2186-2206): KMSPPCISVE[Pro2196Arg]PAEDEGSARP

ClinVar aggregate classification (germline): Uncertain significance (1 of 4 stars; one submission).

Conditions:
Hyperaldosteronism, familial, type IV (HALD4). Also called: FH IV; ALDOSTERONISM, PRIMARY, AND HYPERTENSION. Identifiers: Orphanet 642671, MedGen C4310756, MONDO:0014875, OMIM 617027.
Idiopathic generalized epilepsy. Also called: Generalised epilepsy; EIG. Identifiers: MedGen C0270850, MONDO:0005579, OMIM 600669.

Allele frequency attached by ClinVar (database versions not stated): TOPMed below 0.00001.
gnomAD v4.1: 1 of 1,538,078 alleles (0.000065%); highest among the groups gnomAD compares: East Asian, 0.0023%; no homozygotes.

Submission:

Labcorp Genetics (formerly Invitae), Labcorp
Classification: Uncertain significance for Idiopathic generalized epilepsy; Hyperaldosteronism, familial, type IV. Last evaluated: 2022-07-06. Review status: criteria provided, single submitter. Criteria: Invitae Variant Classification Sherloc (09022015). Collection method: clinical testing. Allele origin: germline.
Comment: This sequence change replaces proline, which is neutral and non-polar, with arginine, which is basic and polar, at codon 2196 of the CACNA1H protein (p.Pro2196Arg). This variant is not present in population databases (gnomAD no frequency). This variant has not been reported in the literature in individuals affected with CACNA1H-related conditions. ClinVar contains an entry for this variant (Variation ID: 1364231). Advanced modeling of protein sequence and biophysical properties (such as structural, functional, and spatial information, amino acid conservation, physicochemical variation, residue mobility, and thermodynamic stability) performed at Invitae indicates that this missense variant is not expected to disrupt CACNA1H protein function. In summary, the available evidence is currently insufficient to determine the role of this variant in disease. Therefore, it has been classified as a Variant of Uncertain Significance.